The following is an entry in ClinVar:

NM_004369.4(COL6A3):c.7558A>T (p.Thr2520Ser)

Gene: COL6A3 (collagen type VI alpha 3 chain; minus strand). Cytogenetic location: 2q37.3.
Variant type: single nucleotide variant.
Coding change: c.7558A>T on transcript NM_004369.4 (MANE Select); coding-DNA position 7558, A replaced by T.
Protein change: p.Thr2520Ser; replaces threonine 2520 with serine.
Molecular consequence: missense variant.
Genome position (GRCh38, 1-based): chr2:237,344,460, T>A on the plus strand (A>T on the coding strand, the complement: COL6A3 is on the minus strand). VCF-style: chr2-237344460-T-A. GRCh37 (hg19) VCF-style: chr2-238253103-T-A.
Other names: c.5737A>T, p.Thr1913Ser (NM_057166.5); c.6940A>T, p.Thr2314Ser (NM_057167.4); short protein forms T2520S, T2314S, T1913S.
Identifiers: ClinVar variation 287946 (VCV000287946.14), dbSNP rs144152285, ClinGen allele CA2187778.
Genomic context (GRCh38, chr2:237,344,460, plus strand): 5'-GGGTGATCCCCGCATCTGAGAGCTTGAGCACAGCCTCTCTGAGCTGTGGGGATGCTCTTG[T>A]GGGTGTGTTGCTGAAGAAAACAGCCACTTTCCTCATTAGGAATCCGTTCCTCACACGCTT-3'
Protein context (NP_004360.2, residues 2510-2530): KVAVFFSNTP[Thr2520Ser]RASPQLREAV

ClinVar aggregate classification (germline): Uncertain significance. Review status: criteria provided, multiple submitters, no conflicts (2 of 4 stars). 4 submissions from 4 submitters: Uncertain significance (4). Last evaluated 2025-09-15.

Conditions:
Collagen 6-related myopathy. Identifiers: MedGen CN117976, MONDO:0100225.
Bethlem myopathy 1A. Also called: Bethlem Muscular Dystrophy; MYOPATHY, BENIGN CONGENITAL, WITH CONTRACTURES; Bethlem myopathy 1. Identifiers: Orphanet 610, MedGen CN029274, MONDO:0024530, OMIM 158810.

Allele frequency attached by ClinVar (database versions not stated): gnomAD exomes 0.00002 and 0.00003; TOPMed 0.00002; ExAC 0.00003; gnomAD 0.00005 and 0.00006; ESP Exome Variant Server 0.00008.
gnomAD v4.1: 41 of 1,614,050 alleles (0.0025%); highest among the groups gnomAD compares: Non-Finnish European, 0.0033%; no homozygotes.

Submissions (4):

Labcorp Genetics (formerly Invitae), Labcorp
Classification: Uncertain significance for Bethlem myopathy 1A. Last evaluated: 2025-09-15. Review status: criteria provided, single submitter. Criteria: Invitae Variant Classification Sherloc (09022015). Collection method: clinical testing. Allele origin: germline.
Comment: This sequence change replaces threonine, which is neutral and polar, with serine, which is neutral and polar, at codon 2520 of the COL6A3 protein (p.Thr2520Ser). This variant is present in population databases (rs144152285, gnomAD 0.008%). This variant has not been reported in the literature in individuals affected with COL6A3-related conditions. ClinVar contains an entry for this variant (Variation ID: 287946). Invitae Evidence Modeling of protein sequence and biophysical properties (such as structural, functional, and spatial information, amino acid conservation, physicochemical variation, residue mobility, and thermodynamic stability) indicates that this missense variant is not expected to disrupt COL6A3 protein function with a negative predictive value of 80%. In summary, the available evidence is currently insufficient to determine the role of this variant in disease. Therefore, it has been classified as a Variant of Uncertain Significance.

Revvity Omics, Revvity
Classification: Uncertain significance. Last evaluated: 2019-10-16. Review status: criteria provided, single submitter. Criteria: ACMG Guidelines, 2015. Collection method: clinical testing. Allele origin: germline.

Illumina Laboratory Services, Illumina
Classification: Uncertain significance for Collagen VI-related myopathy. Last evaluated: 2018-01-12. Review status: criteria provided, single submitter. Criteria: ICSL Variant Classification Criteria 13 December 2019. Collection method: clinical testing. Allele origin: germline.

Eurofins Ntd Llc (ga)
Classification: Uncertain significance. Last evaluated: 2016-05-24. Review status: criteria provided, single submitter. Criteria: EGL Classification Definitions 2015. Collection method: clinical testing. Allele origin: germline. Observed: 1 variant allele, 1 heterozygote.